The following is an entry in ClinVar:

NM_006180.6(NTRK2):c.2097G>C (p.Leu699=)

Gene: NTRK2 (neurotrophic receptor tyrosine kinase 2; plus strand). Cytogenetic location: 9q21.33.
Variant type: single nucleotide variant.
Coding change: c.2097G>C on transcript NM_006180.6 (MANE Select); coding-DNA position 2097, G replaced by C.
Protein change: p.Leu699=; no amino-acid change (leucine 699 retained).
Molecular consequence: synonymous variant.
Genome position (GRCh38, 1-based): chr9:84,955,442, G>C. VCF-style: chr9-84955442-G-C. GRCh37 (hg19) VCF-style: chr9-87570357-G-C.
Other names: c.2049G>C, p.Leu683= (NM_001018064.3, NM_001369532.1, NM_001369533.1); c.2013G>C, p.Leu671= (NM_001369534.1); c.1581G>C, p.Leu527= (NM_001369535.1); c.1629G>C, p.Leu543= (NM_001369536.1).
Identifiers: ClinVar variation 4991798 (VCV004991798.1).

ClinVar aggregate classification (germline): Likely benign (1 of 4 stars; one submission).

Conditions:
NTRK2-related disorder. Also called: NTRK2-related condition.

gnomAD v4.1: 1 of 1,614,280 alleles (0.000062%); highest among the groups gnomAD compares: Admixed American, 0.0017%; no homozygotes.

Submission:

PreventionGenetics, part of Exact Sciences
Classification: Likely benign for NTRK2-related condition. Last evaluated: 2026-04-14. Review status: criteria provided, single submitter. Criteria: ACMG Guidelines, 2015. Collection method: clinical testing. Allele origin: germline.
Comment: This variant is classified as likely benign based on ACMG/AMP sequence variant interpretation guidelines (Richards et al. 2015 PMID: 25741868, with internal and published modifications).